The following is an entry in ClinVar:

ClinVar aggregate classification (germline): Uncertain significance (1 of 4 stars; one submission).

Allele frequency attached by ClinVar (database versions not stated): TOPMed below 0.00001.

Submission:

Labcorp Genetics (formerly Invitae), Labcorp
Classification: Uncertain significance. Last evaluated: 2023-07-10. Review status: criteria provided, single submitter. Criteria: Invitae Variant Classification Sherloc (09022015). Collection method: clinical testing. Allele origin: germline.
Comment: In summary, the available evidence is currently insufficient to determine the role of this variant in disease. Therefore, it has been classified as a Variant of Uncertain Significance. Advanced modeling of protein sequence and biophysical properties (such as structural, functional, and spatial information, amino acid conservation, physicochemical variation, residue mobility, and thermodynamic stability) performed at Invitae indicates that this missense variant is not expected to disrupt DCHS1 protein function. This variant has not been reported in the literature in individuals affected with DCHS1-related conditions. This variant is not present in population databases (gnomAD no frequency). This sequence change replaces alanine, which is neutral and non-polar, with valine, which is neutral and non-polar, at codon 3249 of the DCHS1 protein (p.Ala3249Val).

NM_003737.4(DCHS1):c.9746C>T (p.Ala3249Val)

Gene: DCHS1 (dachsous cadherin-related 1; minus strand). Cytogenetic location: 11p15.4.
Variant type: single nucleotide variant.
Coding change: c.9746C>T on transcript NM_003737.4 (MANE Select); coding-DNA position 9746, C replaced by T.
Protein change: p.Ala3249Val; replaces alanine 3249 with valine.
Molecular consequence: missense variant.
Genome position (GRCh38, 1-based): chr11:6,621,930, G>A on the plus strand (C>T on the coding strand, the complement: DCHS1 is on the minus strand). VCF-style: chr11-6621930-G-A. GRCh37 (hg19) VCF-style: chr11-6643161-G-A.
Other names: short protein forms A3249V.
Identifiers: ClinVar variation 2740999 (VCV002740999.3), dbSNP rs1855698493, ClinGen allele CA379478128.